The following is an entry in ClinVar:

NM_006005.3(WFS1):c.824C>G (p.Ala275Gly)

Gene: WFS1 (wolframin ER transmembrane glycoprotein; plus strand). Cytogenetic location: 4p16.1.
Variant type: single nucleotide variant.
Coding change: c.824C>G on transcript NM_006005.3 (MANE Select); coding-DNA position 824, C replaced by G.
Protein change: p.Ala275Gly; replaces alanine 275 with glycine.
Molecular consequence: missense variant.
Genome position (GRCh38, 1-based): chr4:6,295,152, C>G. VCF-style: chr4-6295152-C-G. GRCh37 (hg19) VCF-style: chr4-6296879-C-G.
Other names: c.824C>G, p.Ala275Gly (NM_001145853.1); short protein forms A275G.
Identifiers: ClinVar variation 1393805 (VCV001393805.9), dbSNP rs769151204, ClinGen allele CA2839071.

ClinVar aggregate classification (germline): Uncertain significance. Review status: criteria provided, multiple submitters, no conflicts (2 of 4 stars). 4 submissions from 4 submitters: Uncertain significance (4). Last evaluated 2025-11-02.

Conditions:
Inborn genetic diseases. Identifiers: MedGen C0950123, MeSH D030342.
Cataract 41 (CTRCT41). Also called: CATARACT 41, CONGENITAL NUCLEAR TYPE. Identifiers: Orphanet 91492, Orphanet 98991, Orphanet 98992, Orphanet 98995, MedGen C3805412, MONDO:0007287, OMIM 116400.
Wolfram syndrome 1 (WFS1). Identifiers: Orphanet 3463, MedGen C4551693, MONDO:0009101, OMIM 222300.
Autosomal dominant nonsyndromic hearing loss 6 (LFSNHL). Also called: DEAFNESS, AUTOSOMAL DOMINANT 6; DEAFNESS, AUTOSOMAL DOMINANT 14; DEAFNESS, AUTOSOMAL DOMINANT 38; Autosomal dominant nonsyndromic deafness 6. Identifiers: Orphanet 90635, MedGen C1833021, MONDO:0010963, OMIM 600965.
Wolfram-like syndrome. Also called: HEARING LOSS, PROGRESSIVE, WITH OPTIC ATROPHY AND/OR IMPAIRED GLUCOSE REGULATION. Identifiers: Orphanet 411590, MedGen C3280358, MONDO:0013673, OMIM 614296.
Type 2 diabetes mellitus. Also called: Type II diabetes mellitus. Identifiers: MedGen C0011860, MeSH D003924, MONDO:0005148, OMIM 125853, HP:0005978.

Allele frequency attached by ClinVar (database versions not stated): gnomAD 0.00005 and 0.00006.
gnomAD v4.1: 16 of 1,612,308 alleles (0.00099%); highest among the groups gnomAD compares: African/African-American, 0.021%; no homozygotes.

Submissions (4):

Labcorp Genetics (formerly Invitae), Labcorp
Classification: Uncertain significance. Last evaluated: 2025-11-02. Review status: criteria provided, single submitter. Criteria: Invitae Variant Classification Sherloc (09022015). Collection method: clinical testing. Allele origin: germline.
Comment: This sequence change replaces alanine, which is neutral and non-polar, with glycine, which is neutral and non-polar, at codon 275 of the WFS1 protein (p.Ala275Gly). This variant is present in population databases (rs769151204, gnomAD 0.03%). This variant has not been reported in the literature in individuals affected with WFS1-related conditions. ClinVar contains an entry for this variant (Variation ID: 1393805). Invitae Evidence Modeling of protein sequence and biophysical properties (such as structural, functional, and spatial information, amino acid conservation, physicochemical variation, residue mobility, and thermodynamic stability) indicates that this missense variant is not expected to disrupt WFS1 protein function with a negative predictive value of 95%. In summary, the available evidence is currently insufficient to determine the role of this variant in disease. Therefore, it has been classified as a Variant of Uncertain Significance.

Ambry Genetics
Classification: Uncertain significance for Inborn genetic diseases. Last evaluated: 2024-06-04. Review status: criteria provided, single submitter. Criteria: Ambry Variant Classification Scheme 2023. Collection method: clinical testing. Allele origin: germline.

Laboratory for Molecular Medicine, Mass General Brigham Personalized Medicine
Classification: Uncertain significance. Last evaluated: 2023-02-27. Review status: criteria provided, single submitter. Criteria: ACMG Guidelines, 2015. Collection method: clinical testing. Allele origin: germline.
Comment: The p.Ala275Gly variant in WFS1 has not been previously reported in individuals with WFS1-related conditions but has been identified in 0.019% (8/41426) of African American chromosomes by gnomAD v. 3. This variant has also been reported in ClinVar (Variation ID 1393805). Computational prediction tools and conservation analyses do not provide strong support for or against an impact to the protein. In summary, the clinical significance of this variant is uncertain. ACMG/AMP Criteria applied: none.

Fulgent Genetics
Classification: Uncertain significance for Cataract 41; Type 2 diabetes mellitus; Wolfram syndrome 1; Autosomal dominant nonsyndromic hearing loss 6; Wolfram-like syndrome. Last evaluated: 2021-11-13. Review status: criteria provided, single submitter. Criteria: ACMG Guidelines, 2015. Collection method: clinical testing. Allele origin: unknown.